The following is an entry in ClinVar:

NM_002473.6(MYH9):c.518+4A>G

Gene: MYH9 (myosin heavy chain 9; minus strand). Cytogenetic location: 22q12.3.
Variant type: single nucleotide variant.
Coding change: c.518+4A>G on transcript NM_002473.6 (MANE Select); 4 bases into the intron after coding-DNA position 518, A replaced by G.
Molecular consequence: intron variant.
Genome position (GRCh38, 1-based): chr22:36,327,457, T>C on the plus strand (A>G on the coding strand, the complement: MYH9 is on the minus strand). VCF-style: chr22-36327457-T-C. GRCh37 (hg19) VCF-style: chr22-36723502-T-C.
Identifiers: ClinVar variation 1385230 (VCV001385230.6), dbSNP rs2017354123, ClinGen allele CA2403816729.

ClinVar aggregate classification (germline): Uncertain significance (1 of 4 stars; one submission).

Submission:

Labcorp Genetics (formerly Invitae), Labcorp
Classification: Uncertain significance. Last evaluated: 2023-08-30. Review status: criteria provided, single submitter. Criteria: Invitae Variant Classification Sherloc (09022015). Collection method: clinical testing. Allele origin: germline.
Comment: In summary, the available evidence is currently insufficient to determine the role of this variant in disease. Therefore, it has been classified as a Variant of Uncertain Significance. Variants that disrupt the consensus splice site are a relatively common cause of aberrant splicing (PMID: 17576681, 9536098). Algorithms developed to predict the effect of sequence changes on RNA splicing suggest that this variant may create or strengthen a splice site. ClinVar contains an entry for this variant (Variation ID: 1385230). This variant has not been reported in the literature in individuals affected with MYH9-related conditions. This variant is not present in population databases (gnomAD no frequency). This sequence change falls in intron 4 of the MYH9 gene. It does not directly change the encoded amino acid sequence of the MYH9 protein. It affects a nucleotide within the consensus splice site.

Literature cited by the submitters: PubMed 17576681; PubMed 9536098.